The following is an entry in ClinVar:

ClinVar aggregate classification (germline): Uncertain significance (1 of 4 stars; one submission).

Conditions:
Hereditary cancer-predisposing syndrome. Also called: Neoplastic Syndromes, Hereditary; Tumor predisposition; Hereditary neoplastic syndrome; Hereditary Cancer Syndrome. Identifiers: Orphanet 140162, MedGen C0027672, MeSH D009386, MONDO:0015356.

Submission:

Ambry Genetics
Classification: Uncertain significance for Hereditary cancer-predisposing syndrome. Last evaluated: 2025-04-02. Review status: criteria provided, single submitter. Criteria: Ambry Variant Classification Scheme 2023. Collection method: clinical testing. Allele origin: germline.
Comment: The p.P693S variant (also known as c.2077C>T), located in coding exon 12 of the ALK gene, results from a C to T substitution at nucleotide position 2077. The proline at codon 693 is replaced by serine, an amino acid with similar properties. This amino acid position is highly conserved in available vertebrate species. In addition, the in silico prediction for this alteration is inconclusive. Based on the available evidence, the clinical significance of this variant remains unclear.

NM_004304.5(ALK):c.2077C>T (p.Pro693Ser)

Gene: ALK (ALK receptor tyrosine kinase; minus strand). Cytogenetic location: 2p23.2.
Variant type: single nucleotide variant.
Coding change: c.2077C>T on transcript NM_004304.5 (MANE Select); coding-DNA position 2077, C replaced by T.
Protein change: p.Pro693Ser; replaces proline 693 with serine.
Molecular consequence: missense variant.
Genome position (GRCh38, 1-based): chr2:29,251,232, G>A on the plus strand (C>T on the coding strand, the complement: ALK is on the minus strand). VCF-style: chr2-29251232-G-A. GRCh37 (hg19) VCF-style: chr2-29474098-G-A.
Other names: short protein forms P693S.
Identifiers: ClinVar variation 4040291 (VCV004040291.1).
Genomic context (GRCh38, chr2:29,251,232, plus strand): 5'-CCACGCTCAGGTTGGAGTTCTGGTAGGCGTTGTTGCACTGTGCCTGGGTGGGGCCATGGG[G>A]CCCGCTGGCCCCACATGTGGTGAACAGCCAATGAACTGTGGCACAAGAGGAGAGGCAGTC-3'
Protein context (NP_004295.2, residues 683-703): WLFTTCGASG[Pro693Ser]HGPTQAQCNN